The following is an entry in ClinVar:

ClinVar aggregate classification (germline): Uncertain significance (1 of 4 stars; one submission).

Allele frequency attached by ClinVar (database versions not stated): ExAC 0.00006.
gnomAD v4.1: 67 of 1,614,048 alleles (0.0042%); highest among the groups gnomAD compares: Middle Eastern, 0.049%; no homozygotes.

Submission:

Labcorp Genetics (formerly Invitae), Labcorp
Classification: Uncertain significance. Last evaluated: 2025-02-17. Review status: criteria provided, single submitter. Criteria: Invitae Variant Classification Sherloc (09022015). Collection method: clinical testing. Allele origin: germline.
Comment: This sequence change replaces proline, which is neutral and non-polar, with threonine, which is neutral and polar, at codon 1460 of the DNAH9 protein (p.Pro1460Thr). This variant is present in population databases (rs774641556, gnomAD 0.01%). This variant has not been reported in the literature in individuals affected with DNAH9-related conditions. ClinVar contains an entry for this variant (Variation ID: 2064748). Invitae Evidence Modeling of protein sequence and biophysical properties (such as structural, functional, and spatial information, amino acid conservation, physicochemical variation, residue mobility, and thermodynamic stability) indicates that this missense variant is not expected to disrupt DNAH9 protein function with a negative predictive value of 80%. In summary, the available evidence is currently insufficient to determine the role of this variant in disease. Therefore, it has been classified as a Variant of Uncertain Significance.

NM_001372.4(DNAH9):c.4378C>A (p.Pro1460Thr)

Gene: DNAH9 (dynein axonemal heavy chain 9; plus strand). Cytogenetic location: 17p12.
Variant type: single nucleotide variant.
Coding change: c.4378C>A on transcript NM_001372.4 (MANE Select); coding-DNA position 4378, C replaced by A.
Protein change: p.Pro1460Thr; replaces proline 1460 with threonine.
Molecular consequence: missense variant.
Genome position (GRCh38, 1-based): chr17:11,690,200, C>A. VCF-style: chr17-11690200-C-A. GRCh37 (hg19) VCF-style: chr17-11593517-C-A.
Other names: short protein forms P1460T.
Identifiers: ClinVar variation 2064748 (VCV002064748.4), dbSNP rs774641556, ClinGen allele CA8395654.